The following is an entry in ClinVar:

ClinVar aggregate classification (germline): Conflicting classifications of pathogenicity. Review status: criteria provided, conflicting classifications (1 of 4 stars). 3 submissions from 3 submitters: Uncertain significance (2); Benign (1). Last evaluated 2025-12-03.

Conditions:
Inborn genetic diseases. Identifiers: MedGen C0950123, MeSH D030342.
Idiopathic generalized epilepsy. Also called: Generalised epilepsy; EIG. Identifiers: MedGen C0270850, MONDO:0005579, OMIM 600669.
Hyperaldosteronism, familial, type IV (HALD4). Also called: FH IV; ALDOSTERONISM, PRIMARY, AND HYPERTENSION. Identifiers: Orphanet 642671, MedGen C4310756, MONDO:0014875, OMIM 617027.

Allele frequency attached by ClinVar (database versions not stated): gnomAD exomes 0.00009 and 0.00003; gnomAD 0.00002; TOPMed 0.00002; ExAC 0.00008.
gnomAD v4.1: 40 of 1,585,458 alleles (0.0025%); highest among the groups gnomAD compares: South Asian, 0.021%; no homozygotes.

Submissions (3):

Women's Health and Genetics/Laboratory Corporation of America, LabCorp
Classification: Uncertain significance. Last evaluated: 2025-12-03. Review status: criteria provided, single submitter. Criteria: LabCorp Variant Classification Summary - May 2015. Collection method: clinical testing. Allele origin: germline.
Comment: Variant summary: CACNA1H c.6346G>A (p.Glu2116Lys) results in a conservative amino acid change in the encoded protein sequence. Algorithms developed to predict the effect of missense changes on protein structure and function are either unavailable or do not agree on the potential impact of this missense change. The variant allele was found at a frequency of 9e-05 in 209984 control chromosomes. This frequency is not significantly higher than estimated for disease-causing variants in CACNA1H, allowing no conclusion about variant significance. To our knowledge, no occurrence of c.6346G>A in individuals affected with CACNA1H-related conditions and no experimental evidence demonstrating its impact on protein function have been reported. ClinVar contains an entry for this variant (Variation ID: 1515853). Based on the evidence outlined above, the variant was classified as uncertain significance.

Ambry Genetics
Classification: Uncertain significance for Inborn genetic diseases. Last evaluated: 2025-08-21. Review status: criteria provided, single submitter. Criteria: Ambry Variant Classification Scheme 2023. Collection method: clinical testing. Allele origin: germline.

Labcorp Genetics (formerly Invitae), Labcorp
Classification: Benign for Idiopathic generalized epilepsy; Hyperaldosteronism, familial, type IV. Last evaluated: 2025-07-14. Review status: criteria provided, single submitter. Criteria: Invitae Variant Classification Sherloc (09022015). Collection method: clinical testing. Allele origin: germline.

NM_021098.3(CACNA1H):c.6346G>A (p.Glu2116Lys)

Gene: CACNA1H (calcium voltage-gated channel subunit alpha1 H; plus strand). Cytogenetic location: 16p13.3.
Variant type: single nucleotide variant.
Coding change: c.6346G>A on transcript NM_021098.3 (MANE Select); coding-DNA position 6346, G replaced by A.
Protein change: p.Glu2116Lys; replaces glutamic acid 2116 with lysine.
Molecular consequence: missense variant.
Genome position (GRCh38, 1-based): chr16:1,220,278, G>A. VCF-style: chr16-1220278-G-A. GRCh37 (hg19) VCF-style: chr16-1270278-G-A.
Other names: c.6346G>A (NM_021098.2); c.6328G>A, p.Glu2110Lys (NM_001005407.2); short protein forms E2110K, E2116K.
Identifiers: ClinVar variation 1515853 (VCV001515853.11), dbSNP rs768078771, ClinGen allele CA7802322.
Genomic context (GRCh38, chr16:1,220,278, plus strand): 5'-CCAGCCGACGAGGAGGTCAGCCACATCACCAGCTCCGCCTGCCCCTGGCAGCCCACAGCC[G>A]AGCCCCATGGCCCCGAAGCCTCTCCGGTGGCCGGCGGCGAGCGGGACCTGCGCAGGCTCT-3'
Protein context (NP_066921.2, residues 2106-2126): SSACPWQPTA[Glu2116Lys]PHGPEASPVA